The following is an entry in ClinVar:

NM_001364905.1(LRBA):c.7571C>G (p.Ala2524Gly)

Gene: LRBA (LPS responsive beige-like anchor protein; minus strand). Cytogenetic location: 4q31.3.
Variant type: single nucleotide variant.
Coding change: c.7571C>G on transcript NM_001364905.1 (MANE Select); coding-DNA position 7571, C replaced by G.
Protein change: p.Ala2524Gly; replaces alanine 2524 with glycine.
Molecular consequence: missense variant.
Genome position (GRCh38, 1-based): chr4:150,321,250, G>C on the plus strand (C>G on the coding strand, the complement: LRBA is on the minus strand). VCF-style: chr4-150321250-G-C. GRCh37 (hg19) VCF-style: chr4-151242402-G-C.
Other names: c.7571C>G, p.Ala2524Gly (NM_001199282.3); c.7586C>G, p.Ala2529Gly (NM_001367550.1); c.7604C>G, p.Ala2535Gly (NM_006726.5); short protein forms A2524G, A2535G, A2529G.
Identifiers: ClinVar variation 1420829 (VCV001420829.7), dbSNP rs145552628, ClinGen allele CA3101603.
Genomic context (GRCh38, chr4:150,321,250, plus strand): 5'-CCAGGAAGGTTGTGCCATTTGTTCACCGCAAATAACCTGTTAGCAGTGACTGTGATCACA[G>C]CGGGAGTTGCCAAACCAGGCTGGGTGTTGGCTGCCACGTGAGTAACAGGGGAGTTGGAGG-3'
Protein context (NP_001351834.1, residues 2514-2534): ANTQPGLATP[Ala2524Gly]VITVTANRLF

ClinVar aggregate classification (germline): Uncertain significance. Review status: criteria provided, multiple submitters, no conflicts (2 of 4 stars). 3 submissions from 3 submitters: Uncertain significance (3). Last evaluated 2023-09-25.

Conditions:
Combined immunodeficiency due to LRBA deficiency. Also called: Common variable immunodeficiency 8, with autoimmunity. Identifiers: Orphanet 445018, MedGen C3553512, MONDO:0013863, OMIM 614700.

Allele frequency attached by ClinVar (database versions not stated): gnomAD 0.00003 and 0.00004; TOPMed 0.00006; gnomAD exomes 0.00009 and 0.00010; ExAC 0.00015; 1000 Genomes Project 30x 0.00016; 1000 Genomes Project 0.00020.
gnomAD v4.1: 133 of 1,612,468 alleles (0.0082%); highest among the groups gnomAD compares: East Asian, 0.29%; no homozygotes.

Submissions (4):

Blueprint Genetics
Classification: Uncertain significance. Last evaluated: 2023-09-25. Review status: criteria provided, single submitter. Criteria: ACMG Guidelines, 2015. Collection method: clinical testing. Allele origin: germline.

GeneDx
Classification: Uncertain significance. Last evaluated: 2022-08-17. Review status: criteria provided, single submitter. Criteria: GeneDx Variant Classification Process June 2021. Collection method: clinical testing. Allele origin: germline. Affected: yes.
Comment: In silico analysis supports that this missense variant has a deleterious effect on protein structure/function; Has not been previously published as pathogenic or benign to our knowledge

Labcorp Genetics (formerly Invitae), Labcorp
Classification: Uncertain significance for Combined immunodeficiency due to LRBA deficiency. Last evaluated: 2022-07-30. Review status: criteria provided, single submitter. Criteria: Invitae Variant Classification Sherloc (09022015). Collection method: clinical testing. Allele origin: germline.
Comment: This sequence change replaces alanine, which is neutral and non-polar, with glycine, which is neutral and non-polar, at codon 2535 of the LRBA protein (p.Ala2535Gly). This variant is present in population databases (rs145552628, gnomAD 0.1%). This variant has not been reported in the literature in individuals affected with LRBA-related conditions. ClinVar contains an entry for this variant (Variation ID: 1420829). Algorithms developed to predict the effect of missense changes on protein structure and function are either unavailable or do not agree on the potential impact of this missense change (SIFT: "Tolerated"; PolyPhen-2: "Probably Damaging"; Align-GVGD: "Class C0"). Algorithms developed to predict the effect of sequence changes on RNA splicing suggest that this variant may create or strengthen a splice site. In summary, the available evidence is currently insufficient to determine the role of this variant in disease. Therefore, it has been classified as a Variant of Uncertain Significance.

Dr. Peter K. Rogan Lab, Western University
No classification provided (evidence only). Condition: Gastric cancer. Review status: no classification provided. Collection method: in vitro. Allele origin: not applicable. Functional consequence: retained intron. Not counted in ClinVar's aggregate classification.